The following is an entry in ClinVar:

ClinVar aggregate classification (germline): Pathogenic (1 of 4 stars; one submission).

Conditions:
Holoprosencephaly 13, X-linked. Identifiers: MedGen C5393308, MONDO:0026763, OMIM 301043.

Submission:

Institute of Human Genetics, University of Leipzig Medical Center
Classification: Pathogenic for Holoprosencephaly 13, X-linked. Last evaluated: 2025-08-11. Review status: criteria provided, single submitter. Criteria: ACMG Guidelines, 2015. Collection method: clinical testing. Allele origin: unknown. Inheritance: X-linked dominant inheritance. Affected: yes.
Comment: Criteria applied: PVS1,PM2

NM_001042750.2(STAG2):c.3332dup (p.His1111fs)

Gene: STAG2 (STAG2 cohesin complex component; plus strand). Cytogenetic location: Xq25.
Variant type: Duplication.
Coding change: c.3332dup on transcript NM_001042750.2 (MANE Select); coding-DNA position 3332, one base duplicated (A; older notation c.3332dupA).
Protein change: p.His1111fs; shifts the reading frame from histidine 1111.
Molecular consequence: frameshift variant.
Genome position (GRCh38, 1-based): chrX:124,090,629, A duplicated. VCF-style (leftmost placement, unchanged base first): chrX-124090628-C-CA. GRCh37 (hg19) VCF-style: chrX-123224478-C-CA.
Other names: c.3332dup, p.His1111fs (NM_001042749.2, NM_001042751.2, NM_001282418.2 and 23 more transcripts); short protein forms H1111fs.
Identifiers: ClinVar variation 4279014 (VCV004279014.1).